The following is an entry in ClinVar:

ClinVar aggregate classification (germline): Uncertain significance. Review status: criteria provided, multiple submitters, no conflicts (2 of 4 stars). 2 submissions from 2 submitters: Uncertain significance (2). Last evaluated 2022-11-10.

Allele frequency attached by ClinVar (database versions not stated): TOPMed below 0.00001; ExAC 0.00001; gnomAD 0.00001; gnomAD exomes 0.00001.
gnomAD v4.1: 18 of 1,611,846 alleles (0.0011%); highest among the groups gnomAD compares: African/African-American, 0.0013%; no homozygotes.

Submissions (2):

Labcorp Genetics (formerly Invitae), Labcorp
Classification: Uncertain significance. Last evaluated: 2022-11-10. Review status: criteria provided, single submitter. Criteria: Invitae Variant Classification Sherloc (09022015). Collection method: clinical testing. Allele origin: germline.
Comment: This sequence change replaces cysteine, which is neutral and slightly polar, with tyrosine, which is neutral and polar, at codon 867 of the MPDZ protein (p.Cys867Tyr). This variant is present in population databases (rs77427242, gnomAD 0.004%). This variant has not been reported in the literature in individuals affected with MPDZ-related conditions. ClinVar contains an entry for this variant (Variation ID: 392244). Algorithms developed to predict the effect of missense changes on protein structure and function are either unavailable or do not agree on the potential impact of this missense change (SIFT: "Deleterious"; PolyPhen-2: "Possibly Damaging"; Align-GVGD: "Class C15"). In summary, the available evidence is currently insufficient to determine the role of this variant in disease. Therefore, it has been classified as a Variant of Uncertain Significance.

GeneDx
Classification: Uncertain significance. Last evaluated: 2017-01-06. Review status: criteria provided, single submitter. Criteria: GeneDx Variant Classification (06012015). Collection method: clinical testing. Allele origin: germline. Affected: yes.
Comment: The C867Y variant in the MPDZ gene has not been reported previously as a pathogenic variant, nor as a benign variant, to our knowledge. The C867Y variant was not observed in approximately 6,000 individuals of European and African American ancestry in the NHLBI Exome Sequencing Project, indicating it is not a common benign variant in these populations. The C867Y variant is a non-conservative amino acid substitution, which is likely to impact secondary protein structure as these residues differ in polarity, charge, size and/or other properties. This substitution occurs at a position that is not conserved. However, in silico analysis predicts this variant is probably damaging to the protein structure/function. We interpret C867Y as a variant of uncertain significance.

NM_001378778.1(MPDZ):c.2600G>A (p.Cys867Tyr)

Gene: MPDZ (multiple PDZ domain crumbs cell polarity complex component; minus strand). Cytogenetic location: 9p23.
Variant type: single nucleotide variant.
Coding change: c.2600G>A on transcript NM_001378778.1 (MANE Select); coding-DNA position 2600, G replaced by A.
Protein change: p.Cys867Tyr; replaces cysteine 867 with tyrosine.
Molecular consequence: missense variant.
Genome position (GRCh38, 1-based): chr9:13,183,467, C>T on the plus strand (G>A on the coding strand, the complement: MPDZ is on the minus strand). VCF-style: chr9-13183467-C-T. GRCh37 (hg19) VCF-style: chr9-13183466-C-T.
Other names: c.2600G>A, p.Cys867Tyr (NM_001261406.2, NM_001261407.2, NM_001330637.2 and 14 more transcripts); short protein forms C867Y.
Identifiers: ClinVar variation 392244 (VCV000392244.5), dbSNP rs77427242, ClinGen allele CA4987410.